The following is an entry in ClinVar:

ClinVar aggregate classification (germline): Pathogenic (1 of 4 stars; one submission).

Conditions:
Nemaline myopathy 2 (NEM2). Also called: Nemaline myopathy 2, autosomal recessive. Identifiers: MedGen C1850569, MONDO:0009725, OMIM 256030.

Submission:

Myriad Genetics, Inc.
Classification: Pathogenic for Nemaline myopathy 2. Last evaluated: 2026-03-24. Review status: criteria provided, single submitter. Criteria: Myriad Autosomal Dominant, Autosomal Recessive and X-Linked Classification Criteria (2023). Collection method: clinical testing. Allele origin: unknown.
Comment: NM_001271208.1(NEB):c.1627_1628insATCA(T543Nfs*14) is expected to be pathogenic in the context of NEB-related nemaline myopathy. This variant is predicted to lead to an abnormal or absent protein product due to the creation of a premature termination codon in NEB, a gene where loss-of-function variants are known to be pathogenic. Please note: this variant was assessed in the context of healthy population screening.

NM_001164508.2(NEB):c.1627_1628insATCA (p.Thr543fs)

Gene: NEB (nebulin; minus strand). Cytogenetic location: 2q23.3.
Variant type: Insertion.
Coding change: c.1627_1628insATCA on transcript NM_001164508.2 (MANE Select); coding-DNA positions 1627 to 1628, ATCA inserted.
Protein change: p.Thr543fs; shifts the reading frame from threonine 543.
Molecular consequence: frameshift variant.
Genome position: GRCh38 VCF-style: chr2-151695624-G-GTGAT. GRCh37 (hg19) VCF-style: chr2-152552138-G-GTGAT.
Other names: c.1627_1628insATCA, p.Thr543fs (NM_001164507.2, NM_001271208.2, NM_004543.5); short protein forms T543fs.
Identifiers: ClinVar variation 5015723 (VCV005015723.1).